The following is an entry in ClinVar:

ClinVar aggregate classification (germline): Uncertain significance (1 of 4 stars; one submission).

Conditions:
X-linked agammaglobulinemia with growth hormone deficiency (IGHD3). Also called: AGAMMAGLOBULINEMIA AND ISOLATED GROWTH HORMONE DEFICIENCY, X-LINKED; FLEISHER SYNDROME; HYPOGAMMAGLOBULINEMIA AND ISOLATED GROWTH HORMONE DEFICIENCY, X-LINKED; IGHD III; ISOLATED GROWTH HORMONE DEFICIENCY, TYPE III, WITH AGAMMAGLOBULINEMIA; Isolated growth hormone deficiency type 3. Identifiers: Orphanet 231692, Orphanet 631, MedGen C0472813, MONDO:0010615, OMIM 307200.

gnomAD v4.1: 14 of 1,210,323 alleles (0.0012%); highest among the groups gnomAD compares: African/African-American, 0.021%; no homozygotes.

Submission:

Labcorp Genetics (formerly Invitae), Labcorp
Classification: Uncertain significance for X-linked agammaglobulinemia with growth hormone deficiency. Last evaluated: 2025-06-19. Review status: criteria provided, single submitter. Criteria: Invitae Variant Classification Sherloc (09022015). Collection method: clinical testing. Allele origin: germline.
Comment: This sequence change replaces arginine, which is basic and polar, with tryptophan, which is neutral and slightly polar, at codon 133 of the BTK protein (p.Arg133Trp). This variant is present in population databases (rs141567416, gnomAD 0.05%), including at least one homozygous and/or hemizygous individual. This variant has not been reported in the literature in individuals affected with BTK-related conditions. Invitae Evidence Modeling of protein sequence and biophysical properties (such as structural, functional, and spatial information, amino acid conservation, physicochemical variation, residue mobility, and thermodynamic stability) indicates that this missense variant is expected to disrupt BTK protein function with a positive predictive value of 95%. In summary, the available evidence is currently insufficient to determine the role of this variant in disease. Therefore, it has been classified as a Variant of Uncertain Significance.

NM_000061.3(BTK):c.397C>T (p.Arg133Trp)

Gene: BTK (Bruton tyrosine kinase; minus strand). Cytogenetic location: Xq22.1.
Variant type: single nucleotide variant.
Coding change: c.397C>T on transcript NM_000061.3 (MANE Select); coding-DNA position 397, C replaced by T.
Protein change: p.Arg133Trp; replaces arginine 133 with tryptophan.
Molecular consequence: missense variant.
Genome position (GRCh38, 1-based): chrX:101,362,684, G>A on the plus strand (C>T on the coding strand, the complement: BTK is on the minus strand). VCF-style: chrX-101362684-G-A. GRCh37 (hg19) VCF-style: chrX-100617672-G-A.
Other names: c.499C>T, p.Arg167Trp (NM_001287344.2); c.397C>T, p.Arg133Trp (NM_001287345.2); short protein forms R133W, R167W.
Identifiers: ClinVar variation 4707287 (VCV004707287.1).